The following is an entry in ClinVar:

NM_003458.4(BSN):c.5245G>A (p.Val1749Met)

Gene: BSN (bassoon presynaptic cytomatrix protein; plus strand). Cytogenetic location: 3p21.31.
Variant type: single nucleotide variant.
Coding change: c.5245G>A on transcript NM_003458.4 (MANE Select); coding-DNA position 5245, G replaced by A.
Protein change: p.Val1749Met; replaces valine 1749 with methionine.
Molecular consequence: missense variant.
Genome position (GRCh38, 1-based): chr3:49,654,801, G>A. VCF-style: chr3-49654801-G-A. GRCh37 (hg19) VCF-style: chr3-49692234-G-A.
Other names: short protein forms V1749M.
Identifiers: ClinVar variation 5008506 (VCV005008506.1).

ClinVar aggregate classification (germline): Uncertain significance (1 of 4 stars; one submission).

Submission:

GeneDx
Classification: Uncertain significance. Last evaluated: 2026-03-09. Review status: criteria provided, single submitter. Criteria: GeneDx Variant Classification Process June 2021. Collection method: clinical testing. Allele origin: germline.
Comment: Not observed at significant frequency in large population cohorts (gnomAD); In silico analysis suggests that this missense variant does not alter protein structure/function; Has not been previously published as pathogenic or benign to our knowledge